The following is an entry in ClinVar:

ClinVar aggregate classification (germline): Uncertain significance (1 of 4 stars; one submission).

Submission:

GeneDx
Classification: Uncertain significance. Last evaluated: 2025-02-09. Review status: criteria provided, single submitter. Criteria: GeneDx Variant Classification Process June 2021. Collection method: clinical testing. Allele origin: germline. Affected: yes.
Comment: Not observed at significant frequency in large population cohorts (gnomAD); In silico analysis supports that this missense variant has a deleterious effect on protein structure/function; Has not been previously published as pathogenic or benign to our knowledge

NM_001103.4(ACTN2):c.1272G>C (p.Leu424Phe)

Gene: ACTN2 (actinin alpha 2; plus strand). Cytogenetic location: 1q43.
Variant type: single nucleotide variant.
Coding change: c.1272G>C on transcript NM_001103.4 (MANE Select); coding-DNA position 1272, G replaced by C.
Protein change: p.Leu424Phe; replaces leucine 424 with phenylalanine.
Molecular consequence: missense variant. On other transcripts: non-coding transcript variant (1).
Genome position (GRCh38, 1-based): chr1:236,744,642, G>C. VCF-style: chr1-236744642-G-C. GRCh37 (hg19) VCF-style: chr1-236907942-G-C.
Other names: c.1272G>C, p.Leu424Phe (NM_001278343.2); short protein forms L424F.
Identifiers: ClinVar variation 4074676 (VCV004074676.1).